The following is an entry in ClinVar:

NM_000257.4(MYH7):c.4001A>T (p.Gln1334Leu)

Gene: MYH7 (myosin heavy chain 7; minus strand). Cytogenetic location: 14q11.2.
Variant type: single nucleotide variant.
Coding change: c.4001A>T on transcript NM_000257.4 (MANE Select); coding-DNA position 4001, A replaced by T.
Protein change: p.Gln1334Leu; replaces glutamine 1334 with leucine.
Molecular consequence: missense variant.
Genome position (GRCh38, 1-based): chr14:23,418,378, T>A on the plus strand (A>T on the coding strand, the complement: MYH7 is on the minus strand). VCF-style: chr14-23418378-T-A. GRCh37 (hg19) VCF-style: chr14-23887587-T-A.
Other names: c.4001A>T, p.Gln1334Leu (NM_001407004.1); short protein forms Q1334L.
Identifiers: ClinVar variation 2784181 (VCV002784181.3), dbSNP rs2502256924, ClinGen allele CA389041260.

ClinVar aggregate classification (germline): Uncertain significance (1 of 4 stars; one submission).

Conditions:
Hypertrophic cardiomyopathy. Also called: HYPERTROPHIC MYOCARDIOPATHY. Identifiers: Orphanet 217569, MedGen C0007194, MeSH D002312, MONDO:0005045, HP:0001639.

Submission:

Labcorp Genetics (formerly Invitae), Labcorp
Classification: Uncertain significance for Hypertrophic cardiomyopathy. Last evaluated: 2025-04-07. Review status: criteria provided, single submitter. Criteria: Invitae Variant Classification Sherloc (09022015). Collection method: clinical testing. Allele origin: germline.
Comment: This sequence change replaces glutamine, which is neutral and polar, with leucine, which is neutral and non-polar, at codon 1334 of the MYH7 protein (p.Gln1334Leu). This variant is not present in population databases (gnomAD no frequency). This variant has not been reported in the literature in individuals affected with MYH7-related conditions. ClinVar contains an entry for this variant (Variation ID: 2784181). Invitae Evidence Modeling of protein sequence and biophysical properties (such as structural, functional, and spatial information, amino acid conservation, physicochemical variation, residue mobility, and thermodynamic stability) indicates that this missense variant is expected to disrupt MYH7 protein function with a positive predictive value of 95%. In summary, the available evidence is currently insufficient to determine the role of this variant in disease. Therefore, it has been classified as a Variant of Uncertain Significance.